The following is an entry in ClinVar:

ClinVar aggregate classification (germline): Likely benign (1 of 4 stars; one submission).

Conditions:
CEP164-related disorder. Also called: CEP164-related condition.

gnomAD v4.1: 5 of 1,613,858 alleles (0.00031%); no homozygotes.

Submission:

PreventionGenetics, part of Exact Sciences
Classification: Likely benign for CEP164-related condition. Last evaluated: 2025-06-23. Review status: criteria provided, single submitter. Criteria: ACMG Guidelines, 2015. Collection method: clinical testing. Allele origin: germline.
Comment: This variant is classified as likely benign based on ACMG/AMP sequence variant interpretation guidelines (Richards et al. 2015 PMID: 25741868, with internal and published modifications).

NM_014956.5(CEP164):c.2841C>G (p.Val947=)

Gene: CEP164 (centrosomal protein 164; plus strand). Cytogenetic location: 11q23.3.
Variant type: single nucleotide variant.
Coding change: c.2841C>G on transcript NM_014956.5 (MANE Select); coding-DNA position 2841, C replaced by G.
Protein change: p.Val947=; no amino-acid change (valine 947 retained).
Molecular consequence: synonymous variant.
Genome position (GRCh38, 1-based): chr11:117,395,000, C>G. VCF-style: chr11-117395000-C-G. GRCh37 (hg19) VCF-style: chr11-117265716-C-G.
Other names: c.2850C>G, p.Val950= (NM_001271933.2, NM_001440949.1); c.2841C>G, p.Val947= (NM_001440950.1, NM_001440951.1, NM_001440953.1); c.2676C>G, p.Val892= (NM_001440952.1, NM_001440968.1, NM_001440969.1); c.2763C>G, p.Val921= (NM_001440954.1, NM_001440955.1, NM_001440958.1 and 1 more transcripts); c.2754C>G, p.Val918= (NM_001440956.1, NM_001440957.1); c.2712C>G, p.Val904= (NM_001440960.1); c.2703C>G, p.Val901= (NM_001440961.1, NM_001440967.1); c.2694C>G, p.Val898= (NM_001440962.1, NM_001440963.1, NM_001440964.1 and 4 more transcripts); and 7 more.
Identifiers: ClinVar variation 4997996 (VCV004997996.1).